The following is an entry in ClinVar:

ClinVar aggregate classification (germline): Uncertain significance. Review status: criteria provided, multiple submitters, no conflicts (2 of 4 stars). 2 submissions from 2 submitters: Uncertain significance (2). Last evaluated 2025-12-09.

Conditions:
Distal myopathy with posterior leg and anterior hand involvement. Also called: WILLIAMS DISTAL MYOPATHY. Identifiers: Orphanet 63273, MedGen C3279722, MONDO:0013550, OMIM 614065.
Myofibrillar myopathy 5. Also called: Filaminopathy (type); FILAMINOPATHY, AUTOSOMAL DOMINANT. Identifiers: Orphanet 171445, MedGen C1836050, MONDO:0012289, OMIM 609524.
Hypertrophic cardiomyopathy 26. Also called: Cardiomyopathy, familial hypertrophic, 26. Identifiers: Orphanet 75249, MedGen C4310749, MONDO:0014883, OMIM 617047.
Cardiovascular phenotype. Identifiers: MedGen CN230736.

gnomAD v4.1: 10 of 1,612,666 alleles (0.00062%); highest among the groups gnomAD compares: Non-Finnish European, 0.00085%; no homozygotes.

Submissions (2):

Labcorp Genetics (formerly Invitae), Labcorp
Classification: Uncertain significance for Distal myopathy with posterior leg and anterior hand involvement; Myofibrillar myopathy 5; Hypertrophic cardiomyopathy 26. Last evaluated: 2025-12-09. Review status: criteria provided, single submitter. Criteria: Invitae Variant Classification Sherloc (09022015). Collection method: clinical testing. Allele origin: germline.
Comment: This sequence change replaces glycine, which is neutral and non-polar, with arginine, which is basic and polar, at codon 289 of the FLNC protein (p.Gly289Arg). This variant is present in population databases (no rsID available, gnomAD 0.0009%). This variant has not been reported in the literature in individuals affected with FLNC-related conditions. ClinVar contains an entry for this variant (Variation ID: 4258276). Invitae Evidence Modeling of protein sequence and biophysical properties (such as structural, functional, and spatial information, amino acid conservation, physicochemical variation, residue mobility, and thermodynamic stability) has been performed for this missense variant. However, the output from this modeling did not meet the statistical confidence thresholds required to predict the impact of this variant on FLNC protein function. In summary, the available evidence is currently insufficient to determine the role of this variant in disease. Therefore, it has been classified as a Variant of Uncertain Significance.

Ambry Genetics
Classification: Uncertain significance for Cardiovascular phenotype. Last evaluated: 2025-07-09. Review status: criteria provided, single submitter. Criteria: Ambry Variant Classification Scheme 2023. Collection method: clinical testing. Allele origin: germline.
Comment: The p.G289R variant (also known as c.865G>C), located in coding exon 5 of the FLNC gene, results from a G to C substitution at nucleotide position 865. The glycine at codon 289 is replaced by arginine, an amino acid with dissimilar properties. This amino acid position is conserved. In addition, the in silico prediction for this alteration is inconclusive. Based on the available evidence, the clinical significance of this variant remains unclear.

NM_001458.5(FLNC):c.865G>C (p.Gly289Arg)

Gene: FLNC (filamin C; plus strand). Cytogenetic location: 7q32.1.
Variant type: single nucleotide variant.
Coding change: c.865G>C on transcript NM_001458.5 (MANE Select); coding-DNA position 865, G replaced by C.
Protein change: p.Gly289Arg; replaces glycine 289 with arginine.
Molecular consequence: missense variant.
Genome position (GRCh38, 1-based): chr7:128,837,651, G>C. VCF-style: chr7-128837651-G-C. GRCh37 (hg19) VCF-style: chr7-128477705-G-C.
Other names: c.865G>C, p.Gly289Arg (NM_001127487.2); short protein forms G289R.
Identifiers: ClinVar variation 4258276 (VCV004258276.2).